The following is an entry in ClinVar:

ClinVar aggregate classification (germline): Uncertain significance (1 of 4 stars; one submission).

Conditions:
SEMA3F-related disorder. Also called: SEMA3F-related condition.

Submission:

PreventionGenetics, part of Exact Sciences
Classification: Uncertain significance for SEMA3F-related condition. Last evaluated: 2025-01-16. Review status: criteria provided, single submitter. Criteria: ACMG Guidelines, 2015. Collection method: clinical testing. Allele origin: germline.
Comment: The SEMA3F c.170A>G variant is predicted to result in the amino acid substitution p.Tyr57Cys. To our knowledge, this variant has not been reported in the literature or in a large population database (gnomAD), indicating this variant is rare. At this time, the clinical significance of this variant is uncertain due to the absence of conclusive functional and genetic evidence.

NM_004186.5(SEMA3F):c.170A>G (p.Tyr57Cys)

Gene: SEMA3F (semaphorin 3F; plus strand). Cytogenetic location: 3p21.31.
Variant type: single nucleotide variant.
Coding change: c.170A>G on transcript NM_004186.5 (MANE Select); coding-DNA position 170, A replaced by G.
Protein change: p.Tyr57Cys; replaces tyrosine 57 with cysteine.
Molecular consequence: missense variant. On other transcripts: 5 prime UTR variant (1).
Genome position (GRCh38, 1-based): chr3:50,173,850, A>G. VCF-style: chr3-50173850-A-G. GRCh37 (hg19) VCF-style: chr3-50211283-A-G.
Other names: c.-35A>G (NM_001318798.2); c.170A>G, p.Tyr57Cys (NM_001318800.2); short protein forms Y57C.
Identifiers: ClinVar variation 4996743 (VCV004996743.1).
Genomic context (GRCh38, chr3:50,173,850, plus strand): 5'-CAGAGCTGAAGGCCACAGGCACCGCCCACTTCTTCAACTTCCTGCTCAACACAACCGACT[A>G]CCGAATCTTGCTCAAGGACGAGGACCACGACCGCATGTACGTGGGCAGCAAGGACTACGT-3'
Protein context (NP_004177.3, residues 47-67): FFNFLLNTTD[Tyr57Cys]RILLKDEDHD